The following is an entry in ClinVar:

ClinVar aggregate classification (germline): Likely pathogenic (0 of 4 stars; one submission).

Conditions:
DNAH17-related disorder. Also called: DNAH17-related condition.

Submission:

PreventionGenetics, part of Exact Sciences
Classification: Likely pathogenic for DNAH17-related condition. Last evaluated: 2023-10-20. Review status: no assertion criteria provided. Collection method: clinical testing. Allele origin: germline.
Comment: The DNAH17 c.10571delA variant is predicted to result in a frameshift and premature protein termination (p.Lys3524Serfs*4). To our knowledge, this variant has not been reported in the literature. This variant is reported in 0.0041% of alleles in individuals of African descent in gnomAD. Frameshift variants in DNAH17 are expected to be pathogenic. This variant is interpreted as likely pathogenic.

NM_173628.4(DNAH17):c.10571del (p.Lys3524fs)

Gene: DNAH17 (dynein axonemal heavy chain 17; minus strand). Cytogenetic location: 17q25.3.
Variant type: Deletion.
Coding change: c.10571del on transcript NM_173628.4 (MANE Select); coding-DNA position 10571, one base deleted (A; older notation c.10571delA).
Protein change: p.Lys3524fs; shifts the reading frame from lysine 3524.
Molecular consequence: frameshift variant.
Genome position (GRCh38, 1-based): chr17:78,451,632, T deleted on the plus strand (A on the coding strand, the reverse complement: DNAH17 is on the minus strand); the first of 2 consecutive T bases (chr17:78,451,632-78,451,633); deleting either gives the same sequence. VCF-style (leftmost placement, unchanged base first): chr17-78451631-CT-C. GRCh37 (hg19) VCF-style: chr17-76447713-CT-C.
Other names: short protein forms K3524fs.
Identifiers: ClinVar variation 3037103 (VCV003037103.2), dbSNP rs745525261, ClinGen allele CA8800777.